The following is an entry in ClinVar:

NM_000206.3(IL2RG):c.711G>A (p.Trp237Ter)

Gene: IL2RG (interleukin 2 receptor subunit gamma; minus strand). Cytogenetic location: Xq13.1.
Variant type: single nucleotide variant.
Coding change: c.711G>A on transcript NM_000206.3 (MANE Select); coding-DNA position 711, G replaced by A.
Protein change: p.Trp237Ter; replaces tryptophan 237 with a stop codon.
Molecular consequence: nonsense.
Genome position (GRCh38, 1-based): chrX:71,109,274, C>T on the plus strand (G>A on the coding strand, the complement: IL2RG is on the minus strand). VCF-style: chrX-71109274-C-T. GRCh37 (hg19) VCF-style: chrX-70329124-C-T.
Other names: c.711G>A, p.Trp237Ter (NM_001438870.1); short protein forms W237*.
Identifiers: ClinVar variation 4814250 (VCV004814250.1).

ClinVar aggregate classification (germline): Pathogenic (1 of 4 stars; one submission).

Conditions:
SCID with features of gamma chain deficiency.

Submission:

Genetics Laboratory, Great Ormond Street Hospital NHS Foundation Trust, North Thames Genomic Laboratory Hub
Classification: Pathogenic for SCID with features of gamma chain deficiency. Last evaluated: 2026-01-27. Review status: criteria provided, single submitter. Criteria: ACGS Best Practice Guidelines for Variant Classification in Rare Disease 2024 v1.2. Collection method: clinical testing. Allele origin: germline. Affected: yes.
Comment: PM2_moderate, PVS1_very-strong